The following is an entry in ClinVar:

ClinVar aggregate classification (germline): Conflicting classifications of pathogenicity. Review status: criteria provided, conflicting classifications (1 of 4 stars). 3 submissions from 3 submitters: Uncertain significance (1); Likely benign (2). Last evaluated 2026-04-01.

Conditions:
Joubert syndrome 1 (JBTS1). Also called: Cerebellooculorenal syndrome 1; CEREBELLOPARENCHYMAL DISORDER IV. Identifiers: MedGen C4551568, MONDO:0008944, OMIM 213300.
Joubert syndrome. Also called: Familial aplasia of the vermis; JOUBERT-BOLTSHAUSER SYNDROME. Identifiers: Orphanet 475, MedGen C5979921, MONDO:0018772.

Allele frequency attached by ClinVar (database versions not stated): gnomAD 0.00001; ExAC 0.00002; gnomAD exomes 0.00003.
gnomAD v4.1: 6 of 1,604,662 alleles (0.00037%); highest among the groups gnomAD compares: Admixed American, 0.0051%; no homozygotes.

Submissions (3):

CeGaT Center for Human Genetics Tuebingen
Classification: Likely benign. Last evaluated: 2026-04-01. Review status: criteria provided, single submitter. Criteria: CeGaT Center For Human Genetics Tuebingen Variant Classification Criteria Version 2. Collection method: clinical testing. Allele origin: germline. Affected: yes. Observed: 2 variant alleles.
Comment: INPP5E: BP4, BP7

Labcorp Genetics (formerly Invitae), Labcorp
Classification: Likely benign for Joubert syndrome. Last evaluated: 2026-01-18. Review status: criteria provided, single submitter. Criteria: Invitae Variant Classification Sherloc (09022015). Collection method: clinical testing. Allele origin: germline.

Illumina Laboratory Services, Illumina
Classification: Uncertain significance for Joubert syndrome 1. Last evaluated: 2018-01-12. Review status: criteria provided, single submitter. Criteria: ICSL Variant Classification Criteria 13 December 2019. Collection method: clinical testing. Allele origin: germline.

NM_019892.6(INPP5E):c.1530C>T (p.Leu510=)

Gene: INPP5E (inositol polyphosphate-5-phosphatase E; minus strand). Cytogenetic location: 9q34.3.
Variant type: single nucleotide variant.
Coding change: c.1530C>T on transcript NM_019892.6 (MANE Select); coding-DNA position 1530, C replaced by T.
Protein change: p.Leu510=; no amino-acid change (leucine 510 retained).
Molecular consequence: synonymous variant.
Genome position (GRCh38, 1-based): chr9:136,431,843, G>A on the plus strand (C>T on the coding strand, the complement: INPP5E is on the minus strand). VCF-style: chr9-136431843-G-A. GRCh37 (hg19) VCF-style: chr9-139326295-G-A.
Other names: c.1527C>T, p.Leu509= (NM_001318502.2).
Identifiers: ClinVar variation 705140 (VCV000705140.28), dbSNP rs780119172, ClinGen allele CA5336763.